The following is an entry in ClinVar:

NM_005076.5(CNTN2):c.2050C>T (p.Arg684Trp)

Gene: CNTN2 (contactin 2; plus strand). Cytogenetic location: 1q32.1.
Variant type: single nucleotide variant.
Coding change: c.2050C>T on transcript NM_005076.5 (MANE Select); coding-DNA position 2050, C replaced by T.
Protein change: p.Arg684Trp; replaces arginine 684 with tryptophan.
Molecular consequence: missense variant. On other transcripts: non-coding transcript variant (1).
Genome position (GRCh38, 1-based): chr1:205,067,175, C>T. VCF-style: chr1-205067175-C-T. GRCh37 (hg19) VCF-style: chr1-205036303-C-T.
Other names: c.2050C>T, p.Arg684Trp (NM_001346083.2); short protein forms R684W.
Identifiers: ClinVar variation 942851 (VCV000942851.9), dbSNP rs756558390, ClinGen allele CA1351569.

ClinVar aggregate classification (germline): Uncertain significance (1 of 4 stars; one submission).

Conditions:
Epilepsy, familial adult myoclonic, 5 (EPEO5). Also called: CORTICAL MYOCLONIC TREMOR WITH EPILEPSY, FAMILIAL, 5. Identifiers: Orphanet 86814, MedGen C3809374, MONDO:0014167, OMIM 615400.

Allele frequency attached by ClinVar (database versions not stated): gnomAD exomes below 0.00001 and 0.00001; ExAC 0.00001; TOPMed 0.00001; gnomAD 0.00002.
gnomAD v4.1: 12 of 1,614,000 alleles (0.00074%); highest among the groups gnomAD compares: Admixed American, 0.0017%; no homozygotes.

Submission:

Labcorp Genetics (formerly Invitae), Labcorp
Classification: Uncertain significance for Epilepsy, familial adult myoclonic, 5. Last evaluated: 2025-03-01. Review status: criteria provided, single submitter. Criteria: Invitae Variant Classification Sherloc (09022015). Collection method: clinical testing. Allele origin: germline.
Comment: This sequence change replaces arginine, which is basic and polar, with tryptophan, which is neutral and slightly polar, at codon 684 of the CNTN2 protein (p.Arg684Trp). This variant is present in population databases (rs756558390, gnomAD 0.01%). This variant has not been reported in the literature in individuals affected with CNTN2-related conditions. ClinVar contains an entry for this variant (Variation ID: 942851). An algorithm developed to predict the effect of missense changes on protein structure and function (PolyPhen-2) suggests that this variant is likely to be disruptive. In summary, the available evidence is currently insufficient to determine the role of this variant in disease. Therefore, it has been classified as a Variant of Uncertain Significance.